The following is an entry in ClinVar:

NM_130849.4(SLC39A4):c.1590G>T (p.Ser530=)

Gene: SLC39A4 (solute carrier family 39 member 4; minus strand). Cytogenetic location: 8q24.3.
Variant type: single nucleotide variant.
Coding change: c.1590G>T on transcript NM_130849.4 (MANE Select); coding-DNA position 1590, G replaced by T.
Protein change: p.Ser530=; no amino-acid change (serine 530 retained).
Molecular consequence: synonymous variant.
Genome position (GRCh38, 1-based): chr8:144,413,274, C>A on the plus strand (G>T on the coding strand, the complement: SLC39A4 is on the minus strand). VCF-style: chr8-144413274-C-A. GRCh37 (hg19) VCF-style: chr8-145638658-C-A.
Other names: c.96G>T, p.Ser32= (NM_001280557.2); c.1308G>T, p.Ser436= (NM_001374839.1); c.1515G>T, p.Ser505= (NM_017767.3); c.1590G>T (NM_130849.3).
Identifiers: ClinVar variation 1134565 (VCV001134565.10), dbSNP rs782758306, ClinGen allele CA4941153.

ClinVar aggregate classification (germline): Likely benign. Review status: criteria provided, multiple submitters, no conflicts (2 of 4 stars). 3 submissions from 3 submitters: Likely benign (2). 1 of the submissions does not count toward it. Last evaluated 2026-01-28.

Conditions:
SLC39A4-related disorder. Also called: SLC39A4-related condition.

Allele frequency attached by ClinVar (database versions not stated): gnomAD 0.00001; gnomAD exomes 0.00001 and 0.00003; TOPMed 0.00002; ExAC 0.00013.
gnomAD v4.1: 16 of 1,595,952 alleles (0.001%); highest among the groups gnomAD compares: Admixed American, 0.0051%; no homozygotes.

Submissions (3):

Labcorp Genetics (formerly Invitae), Labcorp
Classification: Likely benign. Last evaluated: 2026-01-28. Review status: criteria provided, single submitter. Criteria: Invitae Variant Classification Sherloc (09022015). Collection method: clinical testing. Allele origin: germline.

Blueprint Genetics
Classification: Likely benign. Last evaluated: 2024-10-30. Review status: criteria provided, single submitter. Criteria: ACMG Guidelines, 2015. Collection method: clinical testing. Allele origin: germline.

PreventionGenetics, part of Exact Sciences
Classification: Likely benign for SLC39A4-related condition. Last evaluated: 2022-04-21. Review status: no assertion criteria provided. Collection method: clinical testing. Allele origin: germline. Not counted in ClinVar's aggregate classification.
Comment: This variant is classified as likely benign based on ACMG/AMP sequence variant interpretation guidelines (Richards et al. 2015 PMID: 25741868, with internal and published modifications).